The following is an entry in ClinVar:

NM_173495.3(PTCHD1):c.466G>C (p.Val156Leu)

Gene: PTCHD1 (patched domain containing 1; plus strand). Cytogenetic location: Xp22.11.
Variant type: single nucleotide variant.
Coding change: c.466G>C on transcript NM_173495.3 (MANE Select); coding-DNA position 466, G replaced by C.
Protein change: p.Val156Leu; replaces valine 156 with leucine.
Molecular consequence: missense variant.
Genome position (GRCh38, 1-based): chrX:23,379,705, G>C. VCF-style: chrX-23379705-G-C. GRCh37 (hg19) VCF-style: chrX-23397822-G-C.
Other names: short protein forms V156L.
Identifiers: ClinVar variation 1065146 (VCV001065146.1), dbSNP rs199597484, ClinGen allele CA412579786.

ClinVar aggregate classification (germline): Uncertain significance (1 of 4 stars; one submission).

gnomAD v4.1: 8 of 1,211,154 alleles (0.00066%); highest among the groups gnomAD compares: Non-Finnish European, 0.00089%; no homozygotes.

Submission:

Women's Health and Genetics/Laboratory Corporation of America, LabCorp
Classification: Uncertain significance. Last evaluated: 2021-04-07. Review status: criteria provided, single submitter. Criteria: LabCorp Variant Classification Summary - May 2015. Collection method: clinical testing. Allele origin: germline.
Comment: Variant summary: PTCHD1 c.466G>C (p.Val156Leu) results in a conservative amino acid change in the encoded protein sequence. Four of five in-silico tools predict a benign effect of the variant on protein function. The variant was absent in 183518 control chromosomes (gnomAD). The available data on variant occurrences in the general population are insufficient to allow any conclusion about variant significance. To our knowledge, no occurrence of c.466G>C in individuals affected with Autism, Susceptibility To, X-Linked 4 and no experimental evidence demonstrating its impact on protein function have been reported. No clinical diagnostic laboratories have submitted clinical-significance assessments for this variant to ClinVar after 2014. Based on the evidence outlined above, the variant was classified as uncertain significance.